The following is an entry in ClinVar:

NM_000047.3(ARSL):c.1052C>T (p.Thr351Met)

Gene: ARSL (arylsulfatase L; minus strand). Cytogenetic location: Xp22.33.
Variant type: single nucleotide variant.
Coding change: c.1052C>T on transcript NM_000047.3 (MANE Select); coding-DNA position 1052, C replaced by T.
Protein change: p.Thr351Met; replaces threonine 351 with methionine.
Molecular consequence: missense variant.
Genome position (GRCh38, 1-based): chrX:2,943,139, G>A on the plus strand (C>T on the coding strand, the complement: ARSL is on the minus strand). VCF-style: chrX-2943139-G-A. GRCh37 (hg19) VCF-style: chrX-2861180-G-A.
Other names: c.1127C>T, p.Thr376Met (NM_001282628.2, NM_001369080.1); c.890C>T, p.Thr297Met (NM_001282631.2); c.1079C>T, p.Thr360Met (NM_001369079.1); short protein forms T297M, T351M, T360M, T376M.
Identifiers: ClinVar variation 1203588 (VCV001203588.3), dbSNP rs2147360316, ClinGen allele CA412278746.

ClinVar aggregate classification (germline): Uncertain significance (1 of 4 stars; one submission).

Submission:

GeneDx
Classification: Uncertain significance. Last evaluated: 2019-11-04. Review status: criteria provided, single submitter. Criteria: GeneDx Variant Classification Process June 2021. Collection method: clinical testing. Allele origin: germline. Affected: yes.
Comment: Not observed in large population cohorts (Lek et al., 2016); In silico analysis, which includes protein predictors and evolutionary conservation, supports a deleterious effect; Has not been previously published as pathogenic or benign to our knowledge